The following is an entry in ClinVar:

NM_015338.6(ASXL1):c.3705C>G (p.Phe1235Leu)

Gene: ASXL1 (ASXL transcriptional regulator 1; plus strand). Cytogenetic location: 20q11.21.
Variant type: single nucleotide variant.
Coding change: c.3705C>G on transcript NM_015338.6 (MANE Select); coding-DNA position 3705, C replaced by G.
Protein change: p.Phe1235Leu; replaces phenylalanine 1235 with leucine.
Molecular consequence: missense variant.
Genome position (GRCh38, 1-based): chr20:32,436,417, C>G. VCF-style: chr20-32436417-C-G. GRCh37 (hg19) VCF-style: chr20-31024220-C-G.
Other names: c.3522C>G, p.Phe1174Leu (NM_001363734.1); short protein forms F1174L, F1235L.
Identifiers: ClinVar variation 3346367 (VCV003346367.1).

ClinVar aggregate classification (germline): Uncertain significance (0 of 4 stars; one submission).

Conditions:
ASXL1-related disorder. Also called: ASXL1-related disorders; ASXL1-related condition.

Submission:

PreventionGenetics, part of Exact Sciences
Classification: Uncertain significance for ASXL1-related condition. Last evaluated: 2024-05-02. Review status: no assertion criteria provided. Collection method: clinical testing. Allele origin: germline.
Comment: The ASXL1 c.3705C>G variant is predicted to result in the amino acid substitution p.Phe1235Leu. To our knowledge, this variant has not been reported in the literature or in a large population database, indicating this variant is rare. At this time, the clinical significance of this variant is uncertain due to the absence of conclusive functional and genetic evidence.